The following is an entry in ClinVar:

ClinVar aggregate classification (germline): Uncertain significance. Review status: criteria provided, multiple submitters, no conflicts (2 of 4 stars). 3 submissions from 3 submitters: Uncertain significance (3). Last evaluated 2024-07-02.

Conditions:
Inborn genetic diseases. Identifiers: MedGen C0950123, MeSH D030342.

Allele frequency attached by ClinVar (database versions not stated): gnomAD 0.00003; gnomAD exomes 0.00003; TOPMed 0.00002; ExAC 0.00003.
gnomAD v4.1: 51 of 1,614,066 alleles (0.0032%); highest among the groups gnomAD compares: Middle Eastern, 0.016%; 1 homozygote.

Submissions (3):

Ambry Genetics
Classification: Uncertain significance for Inborn genetic diseases. Last evaluated: 2024-07-02. Review status: criteria provided, single submitter. Criteria: Ambry Variant Classification Scheme 2023. Collection method: clinical testing. Allele origin: germline.

Labcorp Genetics (formerly Invitae), Labcorp
Classification: Uncertain significance. Last evaluated: 2022-04-11. Review status: criteria provided, single submitter. Criteria: Invitae Variant Classification Sherloc (09022015). Collection method: clinical testing. Allele origin: germline.
Comment: This sequence change replaces arginine, which is basic and polar, with histidine, which is basic and polar, at codon 560 of the TRAPPC9 protein (p.Arg560His). This variant is present in population databases (rs746266971, gnomAD 0.006%). This variant has not been reported in the literature in individuals affected with TRAPPC9-related conditions. ClinVar contains an entry for this variant (Variation ID: 437043). Algorithms developed to predict the effect of missense changes on protein structure and function are either unavailable or do not agree on the potential impact of this missense change (SIFT: "Not Available"; PolyPhen-2: "Probably Damaging"; Align-GVGD: "Not Available"). In summary, the available evidence is currently insufficient to determine the role of this variant in disease. Therefore, it has been classified as a Variant of Uncertain Significance.

Genetic Services Laboratory, University of Chicago
Classification: Uncertain significance. Last evaluated: 2017-04-04. Review status: criteria provided, single submitter. Criteria: ACMG Guidelines, 2015. Collection method: clinical testing. Allele origin: germline. Affected: no.

NM_001160372.4(TRAPPC9):c.1385G>A (p.Arg462His)

Gene: TRAPPC9 (trafficking protein particle complex subunit 9; minus strand). Cytogenetic location: 8q24.3.
Variant type: single nucleotide variant.
Coding change: c.1385G>A on transcript NM_001160372.4 (MANE Select); coding-DNA position 1385, G replaced by A.
Protein change: p.Arg462His; replaces arginine 462 with histidine.
Molecular consequence: missense variant. On other transcripts: non-coding transcript variant (1), intron variant (1).
Genome position (GRCh38, 1-based): chr8:140,360,160, C>T on the plus strand (G>A on the coding strand, the complement: TRAPPC9 is on the minus strand). VCF-style: chr8-140360160-C-T. GRCh37 (hg19) VCF-style: chr8-141370259-C-T.
Other names: c.1358G>A, p.Arg453His (NM_001321646.2); c.1406G>A, p.Arg469His (NM_001374682.1); c.1385G>A, p.Arg462His (NM_001374683.1, NM_031466.8); c.1351+10804G>A (NM_001374684.1); c.1679G>A (NM_031466.5); short protein forms R462H, R453H, R469H.
Identifiers: ClinVar variation 437043 (VCV000437043.8), dbSNP rs746266971, ClinGen allele CA4893461.
Genomic context (GRCh38, chr8:140,360,160, plus strand): 5'-CTGACAGAGAGGGCAGGGTTCCCCATCCTTCGGGAGGCGTAGACCAATTCATGGAGCAAA[C>T]GCATCTGGACCGCAGCCCAGCCTCTGTGCGTGCCTGCGATGGAAGTTACAAAACATCACA-3'
Protein context (NP_001153844.1, residues 452-472): THRGWAAVQM[Arg462His]LLHELVYASR